The following is an entry in ClinVar:

ClinVar aggregate classification (germline): Benign/Likely benign. Review status: criteria provided, multiple submitters, no conflicts (2 of 4 stars). 12 submissions from 12 submitters: Benign (3); Likely benign (8). 1 of the submissions does not count toward it. Last evaluated 2026-01-27.

Conditions:
FKRP-related disorder. Also called: FKRP-related condition.
Walker-Warburg congenital muscular dystrophy. Also called: Muscular dystrophy-dystroglycanopathy, type A; Walker-Warburg syndrome. Identifiers: Orphanet 899, MedGen C0265221, MONDO:0000171.
Cardiovascular phenotype. Identifiers: MedGen CN230736.

Allele frequency attached by ClinVar (database versions not stated): gnomAD exomes 0.00016 and 0.00044; ExAC 0.00054; 1000 Genomes Project 0.00100; 1000 Genomes Project 30x 0.00109; ESP Exome Variant Server 0.00161; gnomAD 0.00166 and 0.00179; TOPMed 0.00172.
gnomAD v4.1: 498 of 1,613,082 alleles (0.031%); highest among the groups gnomAD compares: African/African-American, 0.57%; 1 homozygote.

Submissions (12):

Labcorp Genetics (formerly Invitae), Labcorp
Classification: Benign for Walker-Warburg congenital muscular dystrophy. Last evaluated: 2026-01-27. Review status: criteria provided, single submitter. Criteria: Invitae Variant Classification Sherloc (09022015). Collection method: clinical testing. Allele origin: germline.

Women's Health and Genetics/Laboratory Corporation of America, LabCorp
Classification: Likely benign. Last evaluated: 2025-07-05. Review status: criteria provided, single submitter. Criteria: LabCorp Variant Classification Summary - May 2015. Collection method: clinical testing. Allele origin: germline.

Mayo Clinic Laboratories, Mayo Clinic
Classification: Likely benign. Last evaluated: 2025-06-13. Review status: criteria provided, single submitter. Criteria: ACMG Guidelines, 2015. Collection method: clinical testing. Allele origin: germline. Observed: 5 variant alleles.
Comment: BS1, BP4, BP7

Molecular Diagnostic Laboratory for Inherited Cardiovascular Disease, Montreal Heart Institute
Classification: Benign. Last evaluated: 2025-04-09. Review status: criteria provided, single submitter. Criteria: ACMG Guidelines, 2015. Collection method: clinical testing. Allele origin: germline. Affected: no.

Blueprint Genetics
Classification: Likely benign. Last evaluated: 2024-10-07. Review status: criteria provided, single submitter. Criteria: ACMG Guidelines, 2015. Collection method: clinical testing. Allele origin: germline.

CeGaT Center for Human Genetics Tuebingen
Classification: Likely benign. Last evaluated: 2024-08-01. Review status: criteria provided, single submitter. Criteria: CeGaT Center For Human Genetics Tuebingen Variant Classification Criteria Version 2. Collection method: clinical testing. Allele origin: germline. Affected: yes. Observed: 1 variant allele.
Comment: FKRP: BP4, BP7

GeneDx
Classification: Likely benign. Last evaluated: 2020-12-17. Review status: criteria provided, single submitter. Criteria: GeneDx Variant Classification Process June 2021. Collection method: clinical testing. Allele origin: germline. Affected: yes.

Ambry Genetics
Classification: Likely benign for Cardiovascular phenotype. Last evaluated: 2019-02-08. Review status: criteria provided, single submitter. Criteria: Ambry Variant Classification Scheme 2023. Collection method: clinical testing. Allele origin: germline.

Genetic Services Laboratory, University of Chicago
Classification: Likely benign. Last evaluated: 2019-01-18. Review status: criteria provided, single submitter. Criteria: ACMG Guidelines, 2015. Collection method: clinical testing. Allele origin: germline. Affected: no.

Athena Diagnostics
Classification: Benign. Last evaluated: 2018-01-25. Review status: criteria provided, single submitter. Criteria: Athena Diagnostics Criteria. Collection method: clinical testing. Allele origin: germline.

Eurofins Ntd Llc (ga)
Classification: Likely benign. Last evaluated: 2015-05-21. Review status: criteria provided, single submitter. Criteria: EGL Classification Definitions 2015. Collection method: clinical testing. Allele origin: germline. Observed: 1 variant allele, 1 heterozygote.

PreventionGenetics, part of Exact Sciences
Classification: Likely benign for FKRP-related condition. Last evaluated: 2020-01-02. Review status: no assertion criteria provided. Collection method: clinical testing. Allele origin: germline. Not counted in ClinVar's aggregate classification.
Comment: This variant is classified as likely benign based on ACMG/AMP sequence variant interpretation guidelines (Richards et al. 2015 PMID: 25741868, with internal and published modifications).

NM_024301.5(FKRP):c.1179A>G (p.Val393=)

Gene: FKRP (fukutin related protein; plus strand). Cytogenetic location: 19q13.32.
Variant type: single nucleotide variant.
Coding change: c.1179A>G on transcript NM_024301.5 (MANE Select); coding-DNA position 1179, A replaced by G.
Protein change: p.Val393=; no amino-acid change (valine 393 retained).
Molecular consequence: synonymous variant.
Genome position (GRCh38, 1-based): chr19:46,756,629, A>G. VCF-style: chr19-46756629-A-G. GRCh37 (hg19) VCF-style: chr19-47259886-A-G.
Other names: p.Val393=; c.1179A>G, p.Val393= (NM_001039885.3).
Identifiers: ClinVar variation 197350 (VCV000197350.44), dbSNP rs145894568, ClinGen allele CA202832.